The following is an entry in ClinVar:

NM_005045.4(RELN):c.337+72T>G

Gene: RELN (reelin; minus strand). Cytogenetic location: 7q22.1.
Variant type: single nucleotide variant.
Coding change: c.337+72T>G on transcript NM_005045.4 (MANE Select); 72 bases into the intron after coding-DNA position 337, T replaced by G.
Molecular consequence: intron variant.
Genome position (GRCh38, 1-based): chr7:103,917,003, A>C on the plus strand (T>G on the coding strand, the complement: RELN is on the minus strand). VCF-style: chr7-103917003-A-C. GRCh37 (hg19) VCF-style: chr7-103557450-A-C.
Other names: c.337+72T>G (NM_173054.3).
Identifiers: ClinVar variation 678162 (VCV000678162.2), dbSNP rs76167481, ClinGen allele CA164029198.

ClinVar aggregate classification (germline): Likely benign. Review status: criteria provided, multiple submitters, no conflicts (2 of 4 stars). 2 submissions from 2 submitters: Likely benign (2). Last evaluated 2018-06-16.

Allele frequency attached by ClinVar (database versions not stated): gnomAD exomes 0.00097; gnomAD 0.00915 and 0.00978; TOPMed 0.01032; 1000 Genomes Project 0.01158; 1000 Genomes Project 30x 0.01202.
gnomAD v4.1: 2,374 of 1,114,574 alleles (0.21%); highest among the groups gnomAD compares: African/African-American, 3.1%; 29 homozygotes.

Submissions (2):

GeneDx
Classification: Likely benign. Last evaluated: 2018-06-16. Review status: criteria provided, single submitter. Criteria: GeneDx Variant Classification (06012015). Collection method: clinical testing. Allele origin: germline. Affected: yes.
Comment: This variant is considered likely benign or benign based on one or more of the following criteria: it is a conservative change, it occurs at a poorly conserved position in the protein, it is predicted to be benign by multiple in silico algorithms, and/or has population frequency not consistent with disease.

Breakthrough Genomics
Classification: Likely benign. Review status: criteria provided, single submitter. Criteria: ACMG Guidelines, 2015. Collection method: not provided. Allele origin: germline. Inheritance: Autosomal recessive inheritance. Affected: yes.